The following is an entry in ClinVar:

ClinVar aggregate classification (germline): Uncertain significance (1 of 4 stars; one submission).

Allele frequency attached by ClinVar (database versions not stated): gnomAD 0.00001; TOPMed 0.00001; gnomAD exomes 0.00002 and 0.00004.
gnomAD v4.1: 62 of 1,613,810 alleles (0.0038%); highest among the groups gnomAD compares: Admixed American, 0.01%; no homozygotes.

Submission:

Labcorp Genetics (formerly Invitae), Labcorp
Classification: Uncertain significance. Last evaluated: 2023-05-08. Review status: criteria provided, single submitter. Criteria: Invitae Variant Classification Sherloc (09022015). Collection method: clinical testing. Allele origin: germline.
Comment: This sequence change replaces valine, which is neutral and non-polar, with isoleucine, which is neutral and non-polar, at codon 154 of the NUBPL protein (p.Val154Ile). This variant is present in population databases (no rsID available, gnomAD 0.01%). This variant has not been reported in the literature in individuals affected with NUBPL-related conditions. ClinVar contains an entry for this variant (Variation ID: 1362166). Advanced modeling of protein sequence and biophysical properties (such as structural, functional, and spatial information, amino acid conservation, physicochemical variation, residue mobility, and thermodynamic stability) performed at Invitae indicates that this missense variant is not expected to disrupt NUBPL protein function. In summary, the available evidence is currently insufficient to determine the role of this variant in disease. Therefore, it has been classified as a Variant of Uncertain Significance.

NM_025152.3(NUBPL):c.460G>A (p.Val154Ile)

Gene: NUBPL (NUBP iron-sulfur cluster assembly factor, mitochondrial; plus strand). Cytogenetic location: 14q12.
Variant type: single nucleotide variant.
Coding change: c.460G>A on transcript NM_025152.3 (MANE Select); coding-DNA position 460, G replaced by A.
Protein change: p.Val154Ile; replaces valine 154 with isoleucine.
Molecular consequence: missense variant. On other transcripts: non-coding transcript variant (1).
Genome position (GRCh38, 1-based): chr14:31,673,521, G>A. VCF-style: chr14-31673521-G-A. GRCh37 (hg19) VCF-style: chr14-32142727-G-A.
Other names: c.172G>A, p.Val58Ile (NM_001201573.2); short protein forms V58I, V154I.
Identifiers: ClinVar variation 1362166 (VCV001362166.6), dbSNP rs1480892988, ClinGen allele CA389480640.